The following is an entry in ClinVar:

ClinVar aggregate classification (germline): Uncertain significance (1 of 4 stars; one submission).

Submission:

Labcorp Genetics (formerly Invitae), Labcorp
Classification: Uncertain significance. Last evaluated: 2022-10-19. Review status: criteria provided, single submitter. Criteria: Invitae Variant Classification Sherloc (09022015). Collection method: clinical testing. Allele origin: germline.
Comment: This variant has not been reported in the literature in individuals affected with FLVCR2-related conditions. This variant is not present in population databases (gnomAD no frequency). This sequence change creates a premature translational stop signal (p.Glu511*) in the FLVCR2 gene. While this is not anticipated to result in nonsense mediated decay, it is expected to disrupt the last 16 amino acid(s) of the FLVCR2 protein. Experimental studies and prediction algorithms are not available or were not evaluated, and the functional significance of this variant is currently unknown. In summary, the available evidence is currently insufficient to determine the role of this variant in disease. Therefore, it has been classified as a Variant of Uncertain Significance.

NM_017791.3(FLVCR2):c.1531G>T (p.Glu511Ter)

Gene: FLVCR2 (FLVCR choline and putative heme transporter 2; plus strand). Cytogenetic location: 14q24.3.
Variant type: single nucleotide variant.
Coding change: c.1531G>T on transcript NM_017791.3 (MANE Select); coding-DNA position 1531, G replaced by T.
Protein change: p.Glu511Ter; replaces glutamic acid 511 with a stop codon.
Molecular consequence: nonsense.
Genome position (GRCh38, 1-based): chr14:75,646,422, G>T. VCF-style: chr14-75646422-G-T. GRCh37 (hg19) VCF-style: chr14-76112765-G-T.
Other names: c.916G>T, p.Glu306Ter (NM_001195283.2); short protein forms E306*, E511*.
Identifiers: ClinVar variation 1970645 (VCV001970645.5), dbSNP rs1300221700, ClinGen allele CA390463658.